The following is an entry in ClinVar:

ClinVar aggregate classification (germline): Likely pathogenic (1 of 4 stars; one submission).

Conditions:
Acral peeling skin syndrome. Also called: Peeling skin syndrome 2. Identifiers: Orphanet 263534, MedGen C1853354, MONDO:0012345, OMIM 609796.

Submission:

First Genomix Gene Laboratory, Genetic Diagnostics Department
Classification: Likely pathogenic for Acral peeling skin syndrome. Last evaluated: 2025-03-27. Review status: criteria provided, single submitter. Criteria: ACMG Guidelines, 2015. Collection method: clinical testing. Allele origin: germline. Inheritance: Autosomal recessive inheritance. Affected: no. Observed: 1 variant allele.

NM_201631.4(TGM5):c.700_709dup (p.Val237delinsGlyTer)

Gene: TGM5 (transglutaminase 5; minus strand). Cytogenetic location: 15q15.2.
Variant type: Duplication.
Coding change: c.700_709dup on transcript NM_201631.4 (MANE Select); coding-DNA positions 700 to 709, 10 bases duplicated (GATAATGGGG; older notation c.700_709dupGATAATGGGG).
Protein change: p.Val237delinsGlyTer.
Molecular consequence: nonsense.
Genome position (GRCh38, 1-based): chr15:43,252,912-43,252,921, CCCCATTATC duplicated on the plus strand (GATAATGGGG on the coding strand, the reverse complement: TGM5 is on the minus strand). VCF-style (leftmost placement, unchanged base first): chr15-43252911-A-ACCCCATTATC. GRCh37 (hg19) VCF-style: chr15-43545109-A-ACCCCATTATC.
Other names: c.454_463dup, p.Val155delinsGlyTer (NM_004245.4); c.700_709dupGATAATGGGG (NM_201631.4).
Identifiers: ClinVar variation 4845841 (VCV004845841.1).
Genomic context (GRCh38, chr15:43,252,911, plus strand): 5'-CCCGTCCACTCCGCAGGGTTGGCGCCGTCTGTGTAATTCTCACTCCAGTTTCCATTGAGC[A>ACCCCATTATC]CCCCATTATCATCATTGCTGTTGATCTGAAGAGAAGCCATATAGAGAAGTGTTAGAAACA-3'